The following is an entry in ClinVar:

ClinVar aggregate classification (germline): Uncertain significance (1 of 4 stars; one submission).

Conditions:
Juvenile polyposis syndrome (JPS). Identifiers: Orphanet 2929, MedGen C0345893, MONDO:0017380, OMIM 174900.

Submission:

Labcorp Genetics (formerly Invitae), Labcorp
Classification: Uncertain significance for Juvenile polyposis syndrome. Last evaluated: 2022-06-29. Review status: criteria provided, single submitter. Criteria: Invitae Variant Classification Sherloc (09022015). Collection method: clinical testing. Allele origin: germline.
Comment: In summary, the available evidence is currently insufficient to determine the role of this variant in disease. Therefore, it has been classified as a Variant of Uncertain Significance. Advanced modeling of protein sequence and biophysical properties (such as structural, functional, and spatial information, amino acid conservation, physicochemical variation, residue mobility, and thermodynamic stability) performed at Invitae indicates that this missense variant is expected to disrupt BMPR1A protein function. This variant has not been reported in the literature in individuals affected with BMPR1A-related conditions. This variant is not present in population databases (gnomAD no frequency). This sequence change replaces serine, which is neutral and polar, with threonine, which is neutral and polar, at codon 270 of the BMPR1A protein (p.Ser270Thr).

NM_004329.3(BMPR1A):c.809G>C (p.Ser270Thr)

Gene: BMPR1A (bone morphogenetic protein receptor type 1A; plus strand). Cytogenetic location: 10q23.2.
Variant type: single nucleotide variant.
Coding change: c.809G>C on transcript NM_004329.3 (MANE Select); coding-DNA position 809, G replaced by C.
Protein change: p.Ser270Thr; replaces serine 270 with threonine.
Molecular consequence: missense variant.
Genome position (GRCh38, 1-based): chr10:86,917,267, G>C. VCF-style: chr10-86917267-G-C. GRCh37 (hg19) VCF-style: chr10-88677024-G-C.
Other names: c.884G>C, p.Ser295Thr (NM_001406559.1); c.809G>C, p.Ser270Thr (NM_001406570.1, NM_001406571.1, NM_001406572.1 and 19 more transcripts); c.803G>C, p.Ser268Thr (NM_001406583.1); c.725G>C, p.Ser242Thr (NM_001406584.1, NM_001406585.1, NM_001406586.1 and 2 more transcripts); c.467G>C, p.Ser156Thr (NM_001406589.1); c.857G>C, p.Ser286Thr (NM_001406560.1); short protein forms S156T, S295T, S242T, S270T, S286T, S268T.
Identifiers: ClinVar variation 2007579 (VCV002007579.4), dbSNP rs1843587260, ClinGen allele CA377458349.
Genomic context (GRCh38, chr10:86,917,267, plus strand): 5'-TGGGCAAATGGCGTGGCGAAAAAGTGGCGGTGAAAGTATTCTTTACCACTGAAGAAGCCA[G>C]CTGGTTTCGAGAAACAGAAATCTACCAAACTGTGCTAATGCGCCATGAAAACATACTTGG-3'
Protein context (NP_004320.2, residues 260-280): VKVFFTTEEA[Ser270Thr]WFRETEIYQT